The following is an entry in ClinVar:

ClinVar aggregate classification (germline): Pathogenic. Review status: criteria provided, multiple submitters, no conflicts (2 of 4 stars). 2 submissions from 2 submitters: Pathogenic (2). Last evaluated 2024-05-17.

Conditions:
Neuromuscular disease caused by qualitative or quantitative defects of dysferlin. Also called: Dysferlinopathy; Qualitative or quantitative defects of dysferlin. Identifiers: Orphanet 207073, MedGen C2931687, MONDO:0016145.

Submissions (2):

Revvity Omics, Revvity
Classification: Pathogenic. Last evaluated: 2024-05-17. Review status: criteria provided, single submitter. Criteria: ACMG Guidelines, 2015. Collection method: clinical testing. Allele origin: germline.

Labcorp Genetics (formerly Invitae), Labcorp
Classification: Pathogenic for Neuromuscular disease caused by qualitative or quantitative defects of dysferlin. Last evaluated: 2022-05-23. Review status: criteria provided, single submitter. Criteria: Invitae Variant Classification Sherloc (09022015). Collection method: clinical testing. Allele origin: germline.
Comment: For these reasons, this variant has been classified as Pathogenic. This premature translational stop signal has been observed in individual(s) with limb-girdle muscular dystrophy (PMID: 25591676). This variant is not present in population databases (gnomAD no frequency). This sequence change creates a premature translational stop signal (p.Glu161Glyfs*8) in the DYSF gene. It is expected to result in an absent or disrupted protein product. Loss-of-function variants in DYSF are known to be pathogenic (PMID: 17698709, 20301480).

Literature cited by the submitters: PubMed 25591676 (cited by Labcorp Genetics (formerly Invitae), Labcorp); PubMed 17698709 (cited by Labcorp Genetics (formerly Invitae), Labcorp); PubMed 20301480 (cited by Labcorp Genetics (formerly Invitae), Labcorp).

NM_001130987.2(DYSF):c.578_579del (p.Glu193fs)

Gene: DYSF (dysferlin; plus strand). Cytogenetic location: 2p13.2.
Variant type: Microsatellite.
Coding change: c.578_579del on transcript NM_001130987.2 (MANE Select); coding-DNA positions 578 to 579, 2 bases deleted (AG; older notation c.578_579delAG).
Protein change: p.Glu193fs; shifts the reading frame from glutamic acid 193.
Molecular consequence: frameshift variant.
Genome position (GRCh38, 1-based): chr2:71,513,740-71,513,741, AG deleted; deleting any 2 consecutive bases within chr2:71,513,738-71,513,741 gives the same sequence; the c. name uses the placement nearest the transcript's 3' end. VCF-style (leftmost placement, unchanged base first): chr2-71513737-CAG-C. GRCh37 (hg19) VCF-style: chr2-71740867-CAG-C.
Other names: c.485_486del, p.Glu162fs (NM_001130455.2, NM_001130983.2, NM_001130984.2 and 1 more transcripts); c.482_483del, p.Glu161fs (NM_001130976.2, NM_001130977.2, NM_001130978.2 and 1 more transcripts); c.575_576del, p.Glu192fs (NM_001130979.2, NM_001130980.2, NM_001130981.2); c.578_579del, p.Glu193fs (NM_001130982.2, NM_001130985.2); short protein forms E161fs, E192fs, E193fs, E162fs.
Identifiers: ClinVar variation 2203085 (VCV002203085.5), dbSNP rs2545395376, ClinGen allele CA2580611324.